The following is an entry in ClinVar:

ClinVar aggregate classification (germline): Uncertain significance. Review status: criteria provided, multiple submitters, no conflicts (2 of 4 stars). 2 submissions from 2 submitters: Uncertain significance (2). Last evaluated 2025-11-05.

Conditions:
Fanconi anemia complementation group P. Also called: SLX4-Related Fanconi Anemia. Identifiers: Orphanet 84, MedGen C3469542, MONDO:0013499, OMIM 613951.
Fanconi anemia (FA). Also called: Fanconi's anemia. Identifiers: Orphanet 84, MedGen C0015625, MeSH D005199, MONDO:0019391.

Allele frequency attached by ClinVar (database versions not stated): gnomAD 0.00004 and 0.00005; ExAC 0.00007; TOPMed 0.00008; ESP Exome Variant Server 0.00015; 1000 Genomes Project 30x 0.00016; 1000 Genomes Project 0.00020.
gnomAD v4.1: 135 of 1,613,374 alleles (0.0084%); highest among the groups gnomAD compares: South Asian, 0.0099%; 1 homozygote.

Submissions (2):

Labcorp Genetics (formerly Invitae), Labcorp
Classification: Uncertain significance for Fanconi anemia. Last evaluated: 2025-11-05. Review status: criteria provided, single submitter. Criteria: Invitae Variant Classification Sherloc (09022015). Collection method: clinical testing. Allele origin: germline.
Comment: This sequence change replaces valine, which is neutral and non-polar, with methionine, which is neutral and non-polar, at codon 1284 of the SLX4 protein (p.Val1284Met). This variant is present in population databases (rs373107728, gnomAD 0.01%). This variant has not been reported in the literature in individuals affected with SLX4-related conditions. ClinVar contains an entry for this variant (Variation ID: 856091). An algorithm developed to predict the effect of missense changes on protein structure and function outputs the following: PolyPhen-2: "Possibly Damaging". The methionine amino acid residue is found in multiple mammalian species, which suggests that this missense change does not adversely affect protein function. In summary, the available evidence is currently insufficient to determine the role of this variant in disease. Therefore, it has been classified as a Variant of Uncertain Significance.

Fulgent Genetics
Classification: Uncertain significance for Fanconi anemia complementation group P. Last evaluated: 2024-04-09. Review status: criteria provided, single submitter. Criteria: ACMG Guidelines, 2015. Collection method: clinical testing. Allele origin: germline.

NM_032444.4(SLX4):c.3850G>A (p.Val1284Met)

Gene: SLX4 (SLX4 structure-specific endonuclease subunit; minus strand). Cytogenetic location: 16p13.3.
Variant type: single nucleotide variant.
Coding change: c.3850G>A on transcript NM_032444.4 (MANE Select); coding-DNA position 3850, G replaced by A.
Protein change: p.Val1284Met; replaces valine 1284 with methionine.
Molecular consequence: missense variant.
Genome position (GRCh38, 1-based): chr16:3,589,788, C>T on the plus strand (G>A on the coding strand, the complement: SLX4 is on the minus strand). VCF-style: chr16-3589788-C-T. GRCh37 (hg19) VCF-style: chr16-3639789-C-T.
Other names: short protein forms V1284M.
Identifiers: ClinVar variation 856091 (VCV000856091.10), dbSNP rs373107728, ClinGen allele CA7865811.
Genomic context (GRCh38, chr16:3,589,788, plus strand): 5'-CTTCGTTCCCTTCCCTGTTTCCTACTGAGGCCCTGGGCGTGTGCTGAGTCACCGCCTGCA[C>T]GGCCAGCCCGCTCCTGAGGCTGCTGATTTGGGTCTGGGAAGAACAGTCACGGCTTCTGCT-3'
Protein context (NP_115820.2, residues 1274-1294): QISSLRSGLA[Val1284Met]QAVTQHTPRA